The following is an entry in ClinVar:

Single allele

Genes: MIR4767 (microRNA 4767; plus strand), PNPLA4 (patatin like domain 4, phospholipase and triacylglycerol lipase; minus strand), PUDP (pseudouridine 5'-phosphatase; minus strand), STS (steroid sulfatase; plus strand), VCX (variable charge X-linked; plus strand) and 14 more. Cytogenetic location: Xp22.31.
Variant type: Deletion.
Identifiers: ClinVar variation 5021139 (VCV005021139.1).

ClinVar aggregate classification (germline): Likely pathogenic (1 of 4 stars; one submission).

Conditions:
Spermatogenic Failure. Identifiers: MedGen C3553794, MONDO:0004983.

Submission:

Conrad Lab, Oregon Health and Science University
Classification: Likely pathogenic for Spermatogenic Failure. Last evaluated: 2026-09-29. Review status: criteria provided, single submitter. Criteria: ACMG Guidelines, 2015. Collection method: research. Allele origin: germline. Affected: yes. Observed: 1 variant allele. Study: GEMINI.
Comment: The manuscript reports PCR confirmation of two overlapping deletions at this locus and approximately sixfold enrichment of the locus-level deletions in cases compared with gnomAD. Testis expression and published infertility associations of genes in the broader rearrangement region provide additional support for the submitted Likely pathogenic interpretation. The evidence is locus-level and does not establish identical breakpoints for the two cases. The submitted exome interval represents minimum bounds; PCR junction coordinates are not supplied.